The following is an entry in ClinVar:

ClinVar aggregate classification (germline): Uncertain significance. Review status: criteria provided, multiple submitters, no conflicts (2 of 4 stars). 2 submissions from 2 submitters: Uncertain significance (2). Last evaluated 2025-10-01.

Conditions:
Currarino triad. Identifiers: Orphanet 1552, MedGen C1531773, MONDO:0008305, OMIM 176450.

Allele frequency attached by ClinVar (database versions not stated): gnomAD exomes 0.00002; TOPMed 0.00002.
gnomAD v4.1: 6 of 1,609,254 alleles (0.00037%); highest among the groups gnomAD compares: Admixed American, 0.01%; no homozygotes.

Submissions (2):

Labcorp Genetics (formerly Invitae), Labcorp
Classification: Uncertain significance. Last evaluated: 2025-10-01. Review status: criteria provided, single submitter. Criteria: Invitae Variant Classification Sherloc (09022015). Collection method: clinical testing. Allele origin: germline.
Comment: This sequence change replaces methionine, which is neutral and non-polar, with valine, which is neutral and non-polar, at codon 226 of the MNX1 protein (p.Met226Val). This variant is present in population databases (no rsID available, gnomAD 0.01%). This variant has not been reported in the literature in individuals affected with MNX1-related conditions. ClinVar contains an entry for this variant (Variation ID: 1400742). Invitae Evidence Modeling of protein sequence and biophysical properties (such as structural, functional, and spatial information, amino acid conservation, physicochemical variation, residue mobility, and thermodynamic stability) indicates that this missense variant is not expected to disrupt MNX1 protein function with a negative predictive value of 80%. In summary, the available evidence is currently insufficient to determine the role of this variant in disease. Therefore, it has been classified as a Variant of Uncertain Significance.

Fulgent Genetics
Classification: Uncertain significance for Currarino triad. Last evaluated: 2024-05-20. Review status: criteria provided, single submitter. Criteria: ACMG Guidelines, 2015. Collection method: clinical testing. Allele origin: germline.

NM_005515.4(MNX1):c.676A>G (p.Met226Val)

Gene: MNX1 (motor neuron and pancreas homeobox 1; minus strand). Cytogenetic location: 7q36.3.
Variant type: single nucleotide variant.
Coding change: c.676A>G on transcript NM_005515.4 (MANE Select); coding-DNA position 676, A replaced by G.
Protein change: p.Met226Val; replaces methionine 226 with valine.
Molecular consequence: missense variant.
Genome position (GRCh38, 1-based): chr7:157,009,675, T>C on the plus strand (A>G on the coding strand, the complement: MNX1 is on the minus strand). VCF-style: chr7-157009675-T-C. GRCh37 (hg19) VCF-style: chr7-156802369-T-C.
Other names: short protein forms M226V.
Identifiers: ClinVar variation 1400742 (VCV001400742.7), dbSNP rs889871814, ClinGen allele CA169870577.